The following is an entry in ClinVar:

ClinVar aggregate classification (germline): Uncertain significance (1 of 4 stars; one submission).

Conditions:
Congenital disorder of glycosylation, type Ii. Also called: ALG2-congenital disorder of glycosylation; CDG Ii; ALG2-CDG. Identifiers: Orphanet 79326, MedGen C1842836, MONDO:0011933, OMIM 607906.
Congenital myasthenic syndrome 14. Also called: Myasthenic syndrome, congenital, 14, with tubular aggregates. Identifiers: Orphanet 353327, Orphanet 590, MedGen C4015597, MONDO:0014543, OMIM 616228.

Submission:

Labcorp Genetics (formerly Invitae), Labcorp
Classification: Uncertain significance for Congenital disorder of glycosylation, type Ii; Congenital myasthenic syndrome 14. Last evaluated: 2022-09-26. Review status: criteria provided, single submitter. Criteria: Invitae Variant Classification Sherloc (09022015). Collection method: clinical testing. Allele origin: germline.
Comment: In summary, the available evidence is currently insufficient to determine the role of this variant in disease. Therefore, it has been classified as a Variant of Uncertain Significance. Experimental studies and prediction algorithms are not available or were not evaluated, and the functional significance of this variant is currently unknown. This variant has not been reported in the literature in individuals affected with ALG2-related conditions. Information on the frequency of this variant in the gnomAD database is not available, as this variant may be reported differently in the database. This sequence change replaces serine, which is neutral and polar, with threonine, which is neutral and polar, at codon 381 of the ALG2 protein (p.Ser381Thr).

NM_033087.4(ALG2):c.1140_1141inv (p.Ser381Thr)

Gene: ALG2 (ALG2 alpha-1,3/1,6-mannosyltransferase; minus strand). Cytogenetic location: 9q22.33.
Variant type: Inversion.
Coding change: c.1140_1141inv on transcript NM_033087.4 (MANE Select).
Protein change: p.Ser381Thr; replaces serine 381 with threonine.
Molecular consequence: missense variant. On other transcripts: non-coding transcript variant (1).
Genome position: GRCh38 VCF-style: chr9-99218044-AA-TT. GRCh37 (hg19) VCF-style: chr9-101980326-AA-TT.
Other names: short protein forms S381T.
Identifiers: ClinVar variation 2082969 (VCV002082969.3), ClinGen allele CA2580080840.